The following is an entry in ClinVar:

ClinVar aggregate classification (germline): Conflicting classifications of pathogenicity. Review status: criteria provided, conflicting classifications (1 of 4 stars). 4 submissions from 4 submitters: Uncertain significance (1); Likely benign (2). 1 of the submissions does not count toward it. Last evaluated 2026-01-05.

Conditions:
Citrullinemia. Identifiers: Orphanet 187, MedGen C0175683, MONDO:0015991.
Citrullinemia type I (CTNL1). Also called: ASS DEFICIENCY; argininosuccinate synthetase deficiency. Identifiers: Orphanet 247525, MedGen C4721769, MONDO:0008988, OMIM 215700.

Allele frequency attached by ClinVar (database versions not stated): gnomAD exomes 0.00002; ExAC 0.00004; gnomAD 0.00006 and 0.00007; TOPMed 0.00007; ESP Exome Variant Server 0.00008.
gnomAD v4.1: 133 of 1,612,752 alleles (0.0082%); highest among the groups gnomAD compares: Non-Finnish European, 0.0095%; no homozygotes.

Submissions (4):

Labcorp Genetics (formerly Invitae), Labcorp
Classification: Likely benign for Citrullinemia. Last evaluated: 2026-01-05. Review status: criteria provided, single submitter. Criteria: Invitae Variant Classification Sherloc (09022015). Collection method: clinical testing. Allele origin: germline.

Illumina Laboratory Services, Illumina
Classification: Uncertain significance for Citrullinemia type I. Last evaluated: 2018-01-12. Review status: criteria provided, single submitter. Criteria: ICSL Variant Classification Criteria 13 December 2019. Collection method: clinical testing. Allele origin: germline.

GeneDx
Classification: Likely benign. Last evaluated: 2017-04-27. Review status: criteria provided, single submitter. Criteria: GeneDx Variant Classification (06012015). Collection method: clinical testing. Allele origin: germline. Affected: yes.
Comment: This variant is considered likely benign or benign based on one or more of the following criteria: it is a conservative change, it occurs at a poorly conserved position in the protein, it is predicted to be benign by multiple in silico algorithms, and/or has population frequency not consistent with disease.

Natera, Inc.
Classification: Likely benign for Citrullinemia type I. Last evaluated: 2020-08-14. Review status: no assertion criteria provided. Collection method: clinical testing. Allele origin: germline. Not counted in ClinVar's aggregate classification.

NM_054012.4(ASS1):c.174+10G>A

Gene: ASS1 (argininosuccinate synthase 1; plus strand). Cytogenetic location: 9q34.11.
Variant type: single nucleotide variant.
Coding change: c.174+10G>A on transcript NM_054012.4 (MANE Select); 10 bases into the intron after coding-DNA position 174, G replaced by A.
Molecular consequence: intron variant.
Genome position (GRCh38, 1-based): chr9:130,454,383, G>A. VCF-style: chr9-130454383-G-A. GRCh37 (hg19) VCF-style: chr9-133329770-G-A.
Other names: c.174+10G>A (NM_000050.4).
Identifiers: ClinVar variation 506587 (VCV000506587.21), dbSNP rs371597908, ClinGen allele CA5283172.